The following is an entry in ClinVar:

ClinVar aggregate classification (germline): Pathogenic/Likely pathogenic. Review status: criteria provided, multiple submitters, no conflicts (2 of 4 stars). 2 submissions from 2 submitters: Pathogenic (1); Likely pathogenic (1). Last evaluated 2025-01-29.

Conditions:
Wiedemann-Steiner syndrome (WDSTS). Also called: Growth deficiency and mental retardation with facial dysmorphism. Identifiers: Orphanet 319182, MedGen C1854630, MONDO:0011518, OMIM 605130.

Submissions (2):

Labcorp Genetics (formerly Invitae), Labcorp
Classification: Pathogenic. Last evaluated: 2025-01-29. Review status: criteria provided, single submitter. Criteria: Invitae Variant Classification Sherloc (09022015). Collection method: clinical testing. Allele origin: germline.
Comment: This sequence change creates a premature translational stop signal (p.Ala1024Glyfs*15) in the KMT2A gene. It is expected to result in an absent or disrupted protein product. Loss-of-function variants in KMT2A are known to be pathogenic (PMID: 22795537, 25810209, 29574747). This variant is not present in population databases (gnomAD no frequency). This variant has not been reported in the literature in individuals affected with KMT2A-related conditions. ClinVar contains an entry for this variant (Variation ID: 2441003). Algorithms developed to predict the effect of sequence changes on RNA splicing suggest that this variant may disrupt the consensus splice site. For these reasons, this variant has been classified as Pathogenic.

Revvity Omics, Revvity
Classification: Likely pathogenic for Wiedemann-Steiner syndrome. Last evaluated: 2022-05-04. Review status: criteria provided, single submitter. Criteria: ACMG Guidelines, 2015. Collection method: clinical testing. Allele origin: germline.

Literature cited by the submitters: PubMed 22795537 (cited by Labcorp Genetics (formerly Invitae), Labcorp); PubMed 25810209 (cited by Labcorp Genetics (formerly Invitae), Labcorp); PubMed 29574747 (cited by Labcorp Genetics (formerly Invitae), Labcorp).

NM_001197104.2(KMT2A):c.3070dup (p.Ala1024fs)

Gene: KMT2A (lysine methyltransferase 2A; plus strand). Cytogenetic location: 11q23.3.
Variant type: Duplication.
Coding change: c.3070dup on transcript NM_001197104.2 (MANE Select); coding-DNA position 3070, one base duplicated (G; older notation c.3070dupG).
Protein change: p.Ala1024fs; shifts the reading frame from alanine 1024.
Molecular consequence: frameshift variant.
Genome position (GRCh38, 1-based): chr11:118,474,229, G duplicated. VCF-style (leftmost placement, unchanged base first): chr11-118474228-T-TG. GRCh37 (hg19) VCF-style: chr11-118344943-T-TG.
Other names: c.3169dup, p.Ala1057Glyfs (NM_001412597.1); c.3070dup, p.Ala1024fs (NM_005933.4); short protein forms A1024fs.
Identifiers: ClinVar variation 2441003 (VCV002441003.5), dbSNP rs2496818327, ClinGen allele CA2580083577.